The following is an entry in ClinVar:

ClinVar aggregate classification (germline): Uncertain significance (1 of 4 stars; one submission).

Submission:

Labcorp Genetics (formerly Invitae), Labcorp
Classification: Uncertain significance. Last evaluated: 2022-08-12. Review status: criteria provided, single submitter. Criteria: Invitae Variant Classification Sherloc (09022015). Collection method: clinical testing. Allele origin: germline.
Comment: Advanced modeling of protein sequence and biophysical properties (such as structural, functional, and spatial information, amino acid conservation, physicochemical variation, residue mobility, and thermodynamic stability) performed at Invitae indicates that this missense variant is not expected to disrupt COL11A1 protein function. Algorithms developed to predict the effect of sequence changes on RNA splicing suggest that this variant may disrupt the consensus splice site. In summary, the available evidence is currently insufficient to determine the role of this variant in disease. Therefore, it has been classified as a Variant of Uncertain Significance. This sequence change replaces lysine, which is basic and polar, with arginine, which is basic and polar, at codon 1380 of the COL11A1 protein (p.Lys1380Arg). This variant is not present in population databases (gnomAD no frequency). This variant has not been reported in the literature in individuals affected with COL11A1-related conditions.

NM_001854.4(COL11A1):c.4139A>G (p.Lys1380Arg)

Gene: COL11A1 (collagen type XI alpha 1 chain; minus strand). Cytogenetic location: 1p21.1.
Variant type: single nucleotide variant.
Coding change: c.4139A>G on transcript NM_001854.4 (MANE Select); coding-DNA position 4139, A replaced by G.
Protein change: p.Lys1380Arg; replaces lysine 1380 with arginine.
Molecular consequence: missense variant. On other transcripts: non-coding transcript variant (1).
Genome position (GRCh38, 1-based): chr1:102,898,942, T>C on the plus strand (A>G on the coding strand, the complement: COL11A1 is on the minus strand). VCF-style: chr1-102898942-T-C. GRCh37 (hg19) VCF-style: chr1-103364498-T-C.
Other names: c.3791A>G, p.Lys1264Arg (NM_001168249.1, NM_080630.4); c.4022A>G, p.Lys1341Arg (NM_001190709.2); c.4175A>G, p.Lys1392Arg (NM_080629.3); short protein forms K1264R, K1341R, K1380R, K1392R.
Identifiers: ClinVar variation 1716177 (VCV001716177.5), dbSNP rs2524338885, ClinGen allele CA341155617.
Genomic context (GRCh38, chr1:102,898,942, plus strand): 5'-ATAATACCTTGTATATATAATATATAATATATATTATGTATATATTATTTTTTTTTTACC[T>C]TAGCACCTTTTTCACCTTGTCTTCCCTCTGCACCTGCAGCTCCAGGAGGACCCTATAGAC-3'
Protein context (NP_001845.3, residues 1370-1390): AEGRQGEKGA[Lys1380Arg]GEAGAEGPPG